The following is an entry in ClinVar:

ClinVar aggregate classification (germline): Uncertain significance (1 of 4 stars; one submission).

gnomAD v4.1: 175 of 1,525,892 alleles (0.011%); highest among the groups gnomAD compares: Non-Finnish European, 0.014%; no homozygotes.

Submission:

GeneDx
Classification: Uncertain significance. Last evaluated: 2025-07-29. Review status: criteria provided, single submitter. Criteria: GeneDx Variant Classification Process June 2021. Collection method: clinical testing. Allele origin: germline. Affected: yes.
Comment: In silico analysis supports that this missense variant has a deleterious effect on protein structure/function; Has not been previously published as pathogenic or benign to our knowledge

NM_001170754.2(CIROZ):c.167C>T (p.Ser56Leu)

Gene: CIROZ (ciliated left-right organizer protein containing ZP-N domains; minus strand). Cytogenetic location: 1p36.22.
Variant type: single nucleotide variant.
Coding change: c.167C>T on transcript NM_001170754.2 (MANE Select); coding-DNA position 167, C replaced by T.
Protein change: p.Ser56Leu; replaces serine 56 with leucine.
Molecular consequence: missense variant.
Genome position (GRCh38, 1-based): chr1:10,970,050, G>A on the plus strand (C>T on the coding strand, the complement: CIROZ is on the minus strand). VCF-style: chr1-10970050-G-A. GRCh37 (hg19) VCF-style: chr1-11030107-G-A.
Other names: short protein forms S56L.
Identifiers: ClinVar variation 4690104 (VCV004690104.1).